The following is an entry in ClinVar:

NM_001110556.2(FLNA):c.5292C>T (p.Ala1764=)

Gene: FLNA (filamin A; minus strand). Cytogenetic location: Xq28.
Variant type: single nucleotide variant.
Coding change: c.5292C>T on transcript NM_001110556.2 (MANE Select); coding-DNA position 5292, C replaced by T.
Protein change: p.Ala1764=; no amino-acid change (alanine 1764 retained).
Molecular consequence: synonymous variant.
Genome position (GRCh38, 1-based): chrX:154,354,637, G>A on the plus strand (C>T on the coding strand, the complement: FLNA is on the minus strand). VCF-style: chrX-154354637-G-A. GRCh37 (hg19) VCF-style: chrX-153583005-G-A.
Other names: c.5268C>T, p.Ala1756= (NM_001456.4); c.5292C>T (NM_001110556.1).
Identifiers: ClinVar variation 514664 (VCV000514664.21), dbSNP rs1027131950, ClinGen allele CA337276357.

ClinVar aggregate classification (germline): Likely benign. Review status: criteria provided, multiple submitters, no conflicts (2 of 4 stars). 5 submissions from 5 submitters: Likely benign (4). 1 of the submissions does not count toward it. Last evaluated 2025-05-05.

Conditions:
Familial thoracic aortic aneurysm and aortic dissection (TAAD). Also called: Thoracic aortic aneurysms and dissections. Identifiers: Orphanet 91387, MedGen C4707243, MONDO:0019625.
Heterotopia, periventricular, X-linked dominant (PVNH1). Also called: PERIVENTRICULAR NODULAR HETEROTOPIA 1; X-linked periventricular heterotopia; PERIVENTRICULAR NODULAR HETEROTOPIA 4; HETEROTOPIA, PERIVENTRICULAR, 1. Identifiers: Orphanet 2149, Orphanet 82004, MedGen C1848213, MONDO:0010233, OMIM 300049.
Melnick-Needles syndrome (MNS). Also called: OSTEODYSPLASTY OF MELNICK AND NEEDLES; Melnick-Needles Syndrome (FLNA-MNS); MELNICK-NEEDLES OSTEODYSPLASTY. Identifiers: Orphanet 2484, MedGen C0025237, MONDO:0010650, OMIM 309350.
Oto-palato-digital syndrome, type II (OPD2). Also called: OPD II SYNDROME; Otopalatodigital Syndrome, Type II; FACIOPALATOOSSEOUS SYNDROME; Otopalatodigital Syndrome Type 2 (FLNA-OPD2). Identifiers: Orphanet 669, Orphanet 90652, MedGen C1844696, MONDO:0010571, OMIM 304120.
Frontometaphyseal dysplasia (FMD1). Identifiers: Orphanet 1826, MedGen C0265293, MONDO:0015942.
FLNA-related disorder.

Allele frequency attached by ClinVar (database versions not stated): gnomAD exomes below 0.00001 and 0.00001; gnomAD 0.00001.
gnomAD v4.1: 11 of 1,203,782 alleles (0.00091%); highest among the groups gnomAD compares: East Asian, 0.009%; no homozygotes.

Submissions (5):

Labcorp Genetics (formerly Invitae), Labcorp
Classification: Likely benign for Oto-palato-digital syndrome, type II; Heterotopia, periventricular, X-linked dominant; Frontometaphyseal dysplasia; Melnick-Needles syndrome. Last evaluated: 2025-05-05. Review status: criteria provided, single submitter. Criteria: Invitae Variant Classification Sherloc (09022015). Collection method: clinical testing. Allele origin: germline.

Blueprint Genetics
Classification: Likely benign. Last evaluated: 2024-10-09. Review status: criteria provided, single submitter. Criteria: ACMG Guidelines, 2015. Collection method: clinical testing. Allele origin: germline.

GeneDx
Classification: Likely benign. Last evaluated: 2019-06-13. Review status: criteria provided, single submitter. Criteria: GeneDx Variant Classification Process June 2021. Collection method: clinical testing. Allele origin: germline. Affected: yes.

Ambry Genetics
Classification: Likely benign for Familial thoracic aortic aneurysm and aortic dissection. Last evaluated: 2017-04-03. Review status: criteria provided, single submitter. Criteria: Ambry Variant Classification Scheme 2023. Collection method: clinical testing. Allele origin: germline.

PreventionGenetics, part of Exact Sciences
Classification: Likely benign for FLNA-related condition. Last evaluated: 2022-02-23. Review status: no assertion criteria provided. Collection method: clinical testing. Allele origin: germline. Not counted in ClinVar's aggregate classification.
Comment: This variant is classified as likely benign based on ACMG/AMP sequence variant interpretation guidelines (Richards et al. 2015 PMID: 25741868, with internal and published modifications).